The following is an entry in ClinVar:

ClinVar aggregate classification (germline): Uncertain significance. Review status: reviewed by expert panel (3 of 4 stars). 2 submissions from 2 submitters: Uncertain significance (1). 1 of the submissions does not count toward it. Last evaluated 2024-09-25.

Conditions:
Hereditary thrombocytopenia and hematologic cancer predisposition syndrome. Identifiers: Orphanet 71290, MedGen CN281654, MONDO:0011071.
Hereditary thrombocytopenia and hematological cancer predisposition syndrome associated with RUNX1. Also called: RUNX1 Familial Platelet Disorder with Associated Myeloid Malignancies; Familial Platelet Disorder with Propensity to Acute Myelogenous Leukemia; Familial thrombocytopenia with propensity to acute myelogenous leukemia; PLATELET DISORDER, ASPIRIN-LIKE. Identifiers: Orphanet 71290, MedGen C1832388, MeSH C563324, MONDO:0100083, OMIM 601399.

Submissions (2):

ClinGen Myeloid Malignancy Variant Curation Expert Panel
Classification: Uncertain significance for Hereditary thrombocytopenia and hematologic cancer predisposition syndrome. Last evaluated: 2024-09-25. Review status: reviewed by expert panel. Criteria: ClinGen MyeloMalig ACMG Specifications v2. Collection method: curation. Allele origin: germline. Inheritance: Autosomal dominant inheritance.
Comment: NM_001754.5(RUNX1):c.716G>A (p.Ser239Asn) is a missense variant. This missense variant has a REVEL score <0.50 (0.45) (BP4). This variant is completely absent from all population databases with at least 20x coverage for RUNX1 (PM2_supporting). In summary, the clinical significance of this variant is uncertain. ACMG/AMP criteria applied, as specified by the Myeloid Malignancy Variant Curation Expert Panel for RUNX1: PM2_supporting, BP4.

Labcorp Genetics (formerly Invitae), Labcorp
Classification: Uncertain significance for Hereditary thrombocytopenia and hematological cancer predisposition syndrome associated with RUNX1. Last evaluated: 2022-08-19. Review status: criteria provided, single submitter. Criteria: Invitae Variant Classification Sherloc (09022015). Collection method: clinical testing. Allele origin: germline. Not counted in ClinVar's aggregate classification.
Comment: In summary, the available evidence is currently insufficient to determine the role of this variant in disease. Therefore, it has been classified as a Variant of Uncertain Significance. Algorithms developed to predict the effect of missense changes on protein structure and function are either unavailable or do not agree on the potential impact of this missense change (SIFT: "Deleterious"; PolyPhen-2: "Possibly Damaging"; Align-GVGD: "Class C0"). This variant has not been reported in the literature in individuals affected with RUNX1-related conditions. This variant is not present in population databases (gnomAD no frequency). This sequence change replaces serine, which is neutral and polar, with asparagine, which is neutral and polar, at codon 239 of the RUNX1 protein (p.Ser239Asn).

NM_001754.5(RUNX1):c.716G>A (p.Ser239Asn)

Gene: RUNX1 (RUNX family transcription factor 1; minus strand). Cytogenetic location: 21q22.12.
Variant type: single nucleotide variant.
Coding change: c.716G>A on transcript NM_001754.5 (MANE Select); coding-DNA position 716, G replaced by A.
Protein change: p.Ser239Asn; replaces serine 239 with asparagine.
Molecular consequence: missense variant.
Genome position (GRCh38, 1-based): chr21:34,834,499, C>T on the plus strand (G>A on the coding strand, the complement: RUNX1 is on the minus strand). VCF-style: chr21-34834499-C-T. GRCh37 (hg19) VCF-style: chr21-36206796-C-T.
Other names: NM_001754.5(RUNX1):c.716G>A; p.Ser239Asn; c.635G>A, p.Ser212Asn (NM_001001890.3, NM_001122607.2); short protein forms S239N, S212N.
Identifiers: ClinVar variation 1949129 (VCV001949129.6), dbSNP rs2146075803, ClinGen allele CA410206839.
Genomic context (GRCh38, chr21:34,834,499, plus strand): 5'-AAGGCAGTGGAGTGGTTCAGGGAGGCACGAGGGTTGGGCGTGGGGGCTGGGTGGTGTGGG[C>T]TGACCCTCATGGCTGTGCGCCGCAGCTGCTCCAGTTCACTGAGCCGCTCGGAAAAGGACA-3'
Protein context (NP_001745.2, residues 229-249): EQLRRTAMRV[Ser239Asn]PHHPAPTPNP